The following is an entry in ClinVar:

NM_001101362.3(KBTBD13):c.697C>A (p.Pro233Thr)

Gene: KBTBD13 (kelch repeat and BTB domain containing 13; plus strand). Cytogenetic location: 15q22.31.
Variant type: single nucleotide variant.
Coding change: c.697C>A on transcript NM_001101362.3 (MANE Select); coding-DNA position 697, C replaced by A.
Protein change: p.Pro233Thr; replaces proline 233 with threonine.
Molecular consequence: missense variant.
Genome position (GRCh38, 1-based): chr15:65,077,512, C>A. VCF-style: chr15-65077512-C-A. GRCh37 (hg19) VCF-style: chr15-65369850-C-A.
Other names: short protein forms P233T.
Identifiers: ClinVar variation 2706557 (VCV002706557.3), dbSNP rs768422348, ClinGen allele CA7613958.

ClinVar aggregate classification (germline): Uncertain significance (1 of 4 stars; one submission).

Conditions:
Nemaline myopathy 6 (NEM6). Also called: Nemaline myopathy 6, autosomal dominant. Identifiers: Orphanet 171439, MedGen C1836472, MONDO:0012237, OMIM 609273.

Allele frequency attached by ClinVar (database versions not stated): TOPMed 0.00003; gnomAD 0.00004; ExAC 0.00008.
gnomAD v4.1: 10 of 1,524,534 alleles (0.00066%); highest among the groups gnomAD compares: African/African-American, 0.0096%; no homozygotes.

Submission:

Labcorp Genetics (formerly Invitae), Labcorp
Classification: Uncertain significance for Nemaline myopathy 6. Last evaluated: 2023-12-18. Review status: criteria provided, single submitter. Criteria: Invitae Variant Classification Sherloc (09022015). Collection method: clinical testing. Allele origin: germline.
Comment: This sequence change replaces proline, which is neutral and non-polar, with threonine, which is neutral and polar, at codon 233 of the KBTBD13 protein (p.Pro233Thr). The frequency data for this variant in the population databases is considered unreliable, as metrics indicate poor data quality at this position in the gnomAD database. This variant has not been reported in the literature in individuals affected with KBTBD13-related conditions. Advanced modeling of protein sequence and biophysical properties (such as structural, functional, and spatial information, amino acid conservation, physicochemical variation, residue mobility, and thermodynamic stability) performed at Invitae indicates that this missense variant is not expected to disrupt KBTBD13 protein function with a negative predictive value of 80%. In summary, the available evidence is currently insufficient to determine the role of this variant in disease. Therefore, it has been classified as a Variant of Uncertain Significance.